The following is an entry in ClinVar:

ClinVar aggregate classification (germline): Conflicting classifications of pathogenicity. Review status: criteria provided, conflicting classifications (1 of 4 stars). 2 submissions from 2 submitters: Likely pathogenic (1); Uncertain significance (1). Last evaluated 2025-01-07.

Submissions (2):

Mayo Clinic Laboratories, Mayo Clinic
Classification: Likely pathogenic. Last evaluated: 2025-01-07. Review status: criteria provided, single submitter. Criteria: ACMG Guidelines, 2015. Collection method: clinical testing. Allele origin: germline. Observed: 1 variant allele.
Comment: PP3_strong, PP4, PM2_supporting, PS3_moderate

Labcorp Genetics (formerly Invitae), Labcorp
Classification: Uncertain significance. Last evaluated: 2024-02-22. Review status: criteria provided, single submitter. Criteria: Invitae Variant Classification Sherloc (09022015). Collection method: clinical testing. Allele origin: germline.
Comment: This sequence change replaces arginine, which is basic and polar, with proline, which is neutral and non-polar, at codon 38 of the PPOX protein (p.Arg38Pro). This variant is not present in population databases (gnomAD no frequency). This missense change has been observed in individual(s) with variegate porphyria (PMID: 10486317). Advanced modeling of protein sequence and biophysical properties (such as structural, functional, and spatial information, amino acid conservation, physicochemical variation, residue mobility, and thermodynamic stability) performed at Invitae indicates that this missense variant is expected to disrupt PPOX protein function with a positive predictive value of 80%. Experimental studies have shown that this missense change affects PPOX function (PMID: 11929051, 21048046). In summary, the available evidence is currently insufficient to determine the role of this variant in disease. Therefore, it has been classified as a Variant of Uncertain Significance.

Literature cited by the submitters: PubMed 10486317 (cited by Mayo Clinic Laboratories, Mayo Clinic and Labcorp Genetics (formerly Invitae), Labcorp); PubMed 11929051 (cited by Mayo Clinic Laboratories, Mayo Clinic and Labcorp Genetics (formerly Invitae), Labcorp); PubMed 16621625 (cited by Mayo Clinic Laboratories, Mayo Clinic); PubMed 21048046 (cited by Mayo Clinic Laboratories, Mayo Clinic and Labcorp Genetics (formerly Invitae), Labcorp).

NM_001122764.3(PPOX):c.113G>C (p.Arg38Pro)

Gene: PPOX (protoporphyrinogen oxidase; plus strand). Cytogenetic location: 1q23.3.
Variant type: single nucleotide variant.
Coding change: c.113G>C on transcript NM_001122764.3 (MANE Select); coding-DNA position 113, G replaced by C.
Protein change: p.Arg38Pro; replaces arginine 38 with proline.
Molecular consequence: missense variant. On other transcripts: 5 prime UTR variant (5).
Genome position (GRCh38, 1-based): chr1:161,167,125, G>C. VCF-style: chr1-161167125-G-C. GRCh37 (hg19) VCF-style: chr1-161136915-G-C.
Other names: p.Arg38Pro; c.113G>C, p.Arg38Pro (NM_001350128.2, NM_001365398.1, NM_001365399.1 and 1 more transcripts); c.-315G>C (NM_001350129.2); c.-406G>C (NM_001350130.2); c.-292G>C (NM_001350131.2); c.-199G>C (NM_001365400.1); c.-258G>C (NM_001365401.1); short protein forms R38P.
Identifiers: ClinVar variation 3720252 (VCV003720252.3).